The following is an entry in ClinVar:

NM_015909.4(NBAS):c.4332_4333insT (p.Leu1445fs)

Gene: NBAS (NBAS subunit of NRZ tethering complex; minus strand). Cytogenetic location: 2p24.3.
Variant type: Insertion.
Coding change: c.4332_4333insT on transcript NM_015909.4 (MANE Select); coding-DNA positions 4332 to 4333, T inserted.
Protein change: p.Leu1445fs; shifts the reading frame from leucine 1445.
Molecular consequence: frameshift variant. On other transcripts: non-coding transcript variant (1).
Genome position: GRCh38 VCF-style: chr2-15330612-G-GA. GRCh37 (hg19) VCF-style: chr2-15470736-G-GA.
Other names: short protein forms L1445fs.
Identifiers: ClinVar variation 1942208 (VCV001942208.6), dbSNP rs1442013338, ClinGen allele CA531018773.

ClinVar aggregate classification (germline): Pathogenic/Likely pathogenic. Review status: criteria provided, multiple submitters, no conflicts (2 of 4 stars). 2 submissions from 2 submitters: Pathogenic (1); Likely pathogenic (1). Last evaluated 2024-05-17.

Conditions:
Short stature-optic atrophy-Pelger-Huët anomaly syndrome. Also called: Short stature, optic nerve atrophy, and Pelger-Huet anomaly; Short stature-optic atrophy-Pelger-HuC+t anomaly syndrome. Identifiers: Orphanet 391677, MedGen C3541319, MONDO:0013889, OMIM 614800.
Infantile liver failure syndrome 2 (ILFS2). Identifiers: MedGen C3809651, MONDO:0014659, OMIM 616483.

Allele frequency attached by ClinVar (database versions not stated): gnomAD exomes 0.00002.

Submissions (2):

Fulgent Genetics
Classification: Likely pathogenic for Short stature-optic atrophy-Pelger-Huët anomaly syndrome; Infantile liver failure syndrome 2. Last evaluated: 2024-05-17. Review status: criteria provided, single submitter. Criteria: ACMG Guidelines, 2015. Collection method: clinical testing. Allele origin: germline.

Labcorp Genetics (formerly Invitae), Labcorp
Classification: Pathogenic. Last evaluated: 2023-10-28. Review status: criteria provided, single submitter. Criteria: Invitae Variant Classification Sherloc (09022015). Collection method: clinical testing. Allele origin: germline.
Comment: This sequence change creates a premature translational stop signal (p.Leu1445Serfs*21) in the NBAS gene. It is expected to result in an absent or disrupted protein product. Loss-of-function variants in NBAS are known to be pathogenic (PMID: 26073778, 26541327, 27789416, 28031453). This variant is present in population databases (no rsID available, gnomAD 0.0009%). This variant has not been reported in the literature in individuals affected with NBAS-related conditions. ClinVar contains an entry for this variant (Variation ID: 1942208). For these reasons, this variant has been classified as Pathogenic.

Literature cited by the submitters: PubMed 26073778 (cited by Labcorp Genetics (formerly Invitae), Labcorp); PubMed 26541327 (cited by Labcorp Genetics (formerly Invitae), Labcorp); PubMed 27789416 (cited by Labcorp Genetics (formerly Invitae), Labcorp); PubMed 28031453 (cited by Labcorp Genetics (formerly Invitae), Labcorp).